The following is an entry in ClinVar:

NM_022437.3(ABCG8):c.712G>A (p.Glu238Lys)

Gene: ABCG8 (ATP binding cassette subfamily G member 8; plus strand). Cytogenetic location: 2p21.
Variant type: single nucleotide variant.
Coding change: c.712G>A on transcript NM_022437.3 (MANE Select); coding-DNA position 712, G replaced by A.
Protein change: p.Glu238Lys; replaces glutamic acid 238 with lysine.
Molecular consequence: missense variant.
Genome position (GRCh38, 1-based): chr2:43,852,616, G>A. VCF-style: chr2-43852616-G-A. GRCh37 (hg19) VCF-style: chr2-44079755-G-A.
Other names: NM_022437.2(ABCG8):c.712G>A(p.Glu238Lys); c.712G>A, p.Glu238Lys (NM_001357321.2); short protein forms E238K.
Identifiers: ClinVar variation 291264 (VCV000291264.46), dbSNP rs34754243, ClinGen allele CA1637156.

ClinVar aggregate classification (germline): Conflicting classifications of pathogenicity. Review status: criteria provided, conflicting classifications (1 of 4 stars). 14 submissions from 14 submitters: Uncertain significance (10); Likely benign (3). 1 of the submissions does not count toward it. Last evaluated 2026-07-01.

Conditions:
Cardiovascular phenotype. Identifiers: MedGen CN230736.
ABCG8-related disorder. Also called: ABCG8-related condition.
Sitosterolemia 1. Identifiers: MedGen C2749759, MONDO:0020747, OMIM 210250.
Gallbladder disease 4 (GBD4). Identifiers: MedGen C1969115, MONDO:1010151, OMIM 611465.
Sitosterolemia (STSL). Also called: PHYTOSTEROLEMIA. Identifiers: Orphanet 2882, MedGen C0342907, MONDO:0008863.

Allele frequency attached by ClinVar (database versions not stated): 1000 Genomes Project 30x 0.00047; 1000 Genomes Project 0.00060; TOPMed 0.00085; gnomAD exomes 0.00089; ESP Exome Variant Server 0.00092; gnomAD 0.00099 and 0.00100; ExAC 0.00102.
gnomAD v4.1: 2,235 of 1,614,138 alleles (0.14%); highest among the groups gnomAD compares: Non-Finnish European, 0.18%; 5 homozygotes.

Submissions (14):

CeGaT Center for Human Genetics Tuebingen
Classification: Likely benign. Last evaluated: 2026-07-01. Review status: criteria provided, single submitter. Criteria: CeGaT Center For Human Genetics Tuebingen Variant Classification Criteria Version 2. Collection method: clinical testing. Allele origin: germline. Affected: yes. Observed: 2 variant alleles.
Comment: ABCG8: PP3, BS1

Women's Health and Genetics/Laboratory Corporation of America, LabCorp
Classification: Uncertain significance. Last evaluated: 2025-11-25. Review status: criteria provided, single submitter. Criteria: LabCorp Variant Classification Summary - May 2015. Collection method: clinical testing. Allele origin: germline.
Comment: Variant summary: ABCG8 c.712G>A (p.Glu238Lys) results in a conservative amino acid change in the encoded protein sequence. Algorithms developed to predict the effect of missense changes on protein structure and function are either unavailable or do not agree on the potential impact of this missense change. The variant allele was found at a frequency of 0.0014 in 1614138 control chromosomes in the gnomAD database, including 5 homozygotes. This frequency is not significantly higher than estimated for disease-causing variants in ABCG8, allowing no conclusion about variant significance. c.712G>A has been observed in the simple heterozygous state in multiple individual(s) affected with various dyslipidemias (hypercholesterolemia, chylomicronemia, abnormal levels of non-HDL cholesterol, see Reeskamp_2020, Atava_2024, Fath_2021, Rosenson_2023) without strong evidence for causality, and has also been reported no have no significant association with either elevated non-HDL cholesterol or coronary artery disease in a large case/control study (Helgadottir_2020). However for risk of gallstones, the variant had an odds ratio of 1.51 (95% CI 1.21, 1.89) with p value 3.1e-4 (significant difference for those with variant vs. without) (Helgadottir_2020). These report(s) do not provide unequivocal conclusions about association of the variant with ABCG8-related autosomal recessive sitosterolemia. To our knowledge, no experimental evidence demonstrating an impact on protein function has been reported. The following publications have been ascertained in the context of this evaluation (PMID: 38122934, 36507135, 20529992, 32041611, 32978801, 16507104, 28748566, 11452359, 36098472, 32702746, 32088153, 39769230, 22898925, 33228147, 34650182, 36879129). ClinVar contains an entry for this variant (Variation ID: 291264). Based on the evidence outlined above, the variant was classified as uncertain significance.

Mayo Clinic Laboratories, Mayo Clinic
Classification: Likely benign. Last evaluated: 2025-10-29. Review status: criteria provided, single submitter. Criteria: ACMG Guidelines, 2015. Collection method: clinical testing. Allele origin: germline. Observed: 11 variant alleles.

Ambry Genetics
Classification: Uncertain significance for Cardiovascular phenotype. Last evaluated: 2024-12-23. Review status: criteria provided, single submitter. Criteria: Ambry Variant Classification Scheme 2023. Collection method: clinical testing. Allele origin: germline.
Comment: The p.E238K variant (also known as c.712G>A), located in coding exon 6 of the ABCG8 gene, results from a G to A substitution at nucleotide position 712. The glutamic acid at codon 238 is replaced by lysine, an amino acid with similar properties. This variant has been detected in hypercholesterolemia cohorts; however, additional details were limited (Reeskamp LF et al. J Clin Lipidol Jan;14:207-217.e7; Dron JS et al. BMC Med Genomics. 2020 Feb;13(1):23; Fath F et al. Sci Rep. 2021 Oct;11(1):20421). This amino acid position is well conserved in available vertebrate species. In addition, this alteration is predicted to be deleterious by in silico analysis. Since supporting evidence is limited at this time, the clinical significance of this alteration remains unclear.

Blueprint Genetics
Classification: Likely benign. Last evaluated: 2024-11-25. Review status: criteria provided, single submitter. Criteria: ACMG Guidelines, 2015. Collection method: clinical testing. Allele origin: germline.

Revvity Omics, Revvity
Classification: Uncertain significance for Sitosterolemia 1. Last evaluated: 2024-05-29. Review status: criteria provided, single submitter. Criteria: ACMG Guidelines, 2015. Collection method: clinical testing. Allele origin: germline.

GeneDx
Classification: Uncertain significance. Last evaluated: 2023-05-01. Review status: criteria provided, single submitter. Criteria: GeneDx Variant Classification Process June 2021. Collection method: clinical testing. Allele origin: germline. Affected: yes.
Comment: Identified in patients with familial hypercholesterolemia in published literature, although additional clinical information and segregation information were not provided (Dron et al., 2020; Reeskamp et al., 2020); In silico analysis supports that this missense variant has a deleterious effect on protein structure/function; This variant is associated with the following publications: (PMID: 32088153, 32041611)

Labcorp Genetics (formerly Invitae), Labcorp
Classification: Uncertain significance. Last evaluated: 2022-09-01. Review status: criteria provided, single submitter. Criteria: Invitae Variant Classification Sherloc (09022015). Collection method: clinical testing. Allele origin: germline.
Comment: This sequence change replaces glutamic acid, which is acidic and polar, with lysine, which is basic and polar, at codon 238 of the ABCG8 protein (p.Glu238Lys). This variant is present in population databases (rs34754243, gnomAD 0.2%), and has an allele count higher than expected for a pathogenic variant. This missense change has been observed in individual(s) with clinical features of familial hypercholesterolemia or dyslipidemia (PMID: 32041611, 32088153). ClinVar contains an entry for this variant (Variation ID: 291264). Algorithms developed to predict the effect of missense changes on protein structure and function are either unavailable or do not agree on the potential impact of this missense change (SIFT: "Deleterious"; PolyPhen-2: "Probably Damaging"; Align-GVGD: "Class C0"). In summary, the available evidence is currently insufficient to determine the role of this variant in disease. Therefore, it has been classified as a Variant of Uncertain Significance.

Institute for Clinical Genetics, University Hospital TU Dresden, University Hospital TU Dresden
Classification: Uncertain significance. Last evaluated: 2021-11-03. Review status: criteria provided, single submitter. Criteria: ACMG Guidelines, 2015. Collection method: clinical testing. Allele origin: germline.

Fulgent Genetics
Classification: Uncertain significance for Sitosterolemia 1; Gallbladder disease 4. Last evaluated: 2021-10-14. Review status: criteria provided, single submitter. Criteria: ACMG Guidelines, 2015. Collection method: clinical testing. Allele origin: unknown.

Eurofins Ntd Llc (ga)
Classification: Uncertain significance. Last evaluated: 2018-07-19. Review status: criteria provided, single submitter. Criteria: EGL ClinVar v180209 classification definitions. Collection method: clinical testing. Allele origin: germline. Observed: 6 variant alleles, 6 heterozygotes.

SIB Swiss Institute of Bioinformatics
Classification: Uncertain significance for Sitosterolemia 1. Last evaluated: 2018-05-31. Review status: criteria provided, single submitter. Criteria: ACMG Guidelines, 2015. Collection method: curation. Allele origin: unknown.
Comment: This variant is interpreted as a Uncertain Significance - Insufficient Evidence, for Sitosterolemia, in Autosomal Recessive manner. The following ACMG Tag(s) were applied: PP3 => Multiple lines of computational evidence support a deleterious effect on the gene or gene product. PM2 => Absent from controls (or at extremely low frequency if recessive) in Exome Sequencing Project, 1000 Genomes Project, or Exome Aggregation Consortium.

Illumina Laboratory Services, Illumina
Classification: Uncertain significance for Sitosterolemia 1. Last evaluated: 2018-01-12. Review status: criteria provided, single submitter. Criteria: ICSL Variant Classification Criteria 13 December 2019. Collection method: clinical testing. Allele origin: germline.

PreventionGenetics, part of Exact Sciences
Classification: Likely benign for ABCG8-related condition. Last evaluated: 2022-03-23. Review status: no assertion criteria provided. Collection method: clinical testing. Allele origin: germline. Not counted in ClinVar's aggregate classification.
Comment: This variant is classified as likely benign based on ACMG/AMP sequence variant interpretation guidelines (Richards et al. 2015 PMID: 25741868, with internal and published modifications).

Literature cited by the submitters: PubMed 28748566 (cited by Women's Health and Genetics/Laboratory Corporation of America, LabCorp); PubMed 32041611 (cited by 4 submitters); PubMed 11452359 (cited by 3 submitters); PubMed 34650182 (cited by Women's Health and Genetics/Laboratory Corporation of America, LabCorp and Ambry Genetics); PubMed 32088153 (cited by 4 submitters); PubMed 33228147 (cited by Women's Health and Genetics/Laboratory Corporation of America, LabCorp); PubMed 38122934 (cited by Women's Health and Genetics/Laboratory Corporation of America, LabCorp); PubMed 32978801 (cited by Women's Health and Genetics/Laboratory Corporation of America, LabCorp); PubMed 36507135 (cited by Women's Health and Genetics/Laboratory Corporation of America, LabCorp); PubMed 20529992 (cited by Women's Health and Genetics/Laboratory Corporation of America, LabCorp and Mayo Clinic Laboratories, Mayo Clinic); PubMed 36098472 (cited by Women's Health and Genetics/Laboratory Corporation of America, LabCorp); PubMed 16507104 (cited by Women's Health and Genetics/Laboratory Corporation of America, LabCorp); PubMed 22898925 (cited by Women's Health and Genetics/Laboratory Corporation of America, LabCorp); PubMed 39769230 (cited by Women's Health and Genetics/Laboratory Corporation of America, LabCorp); PubMed 32702746 (cited by Women's Health and Genetics/Laboratory Corporation of America, LabCorp and Mayo Clinic Laboratories, Mayo Clinic); PubMed 36879129 (cited by Women's Health and Genetics/Laboratory Corporation of America, LabCorp).